The following is an entry in ClinVar:

NM_003239.5(TGFB3):c.942C>G (p.Asn314Lys)

Gene: TGFB3 (transforming growth factor beta 3; minus strand). Cytogenetic location: 14q24.3.
Variant type: single nucleotide variant.
Coding change: c.942C>G on transcript NM_003239.5 (MANE Select); coding-DNA position 942, C replaced by G.
Protein change: p.Asn314Lys; replaces asparagine 314 with lysine.
Molecular consequence: missense variant.
Genome position (GRCh38, 1-based): chr14:75,961,061, G>C on the plus strand (C>G on the coding strand, the complement: TGFB3 is on the minus strand). VCF-style: chr14-75961061-G-C. GRCh37 (hg19) VCF-style: chr14-76427404-G-C.
Other names: c.942C>G, p.Asn314Lys (NM_001329939.2); short protein forms N314K.
Identifiers: ClinVar variation 4742737 (VCV004742737.1).

ClinVar aggregate classification (germline): Uncertain significance (1 of 4 stars; one submission).

Conditions:
Rienhoff syndrome. Also called: LOEYS-DIETZ SYNDROME 5. Identifiers: MedGen C3810012, MONDO:0014262, OMIM 615582.

Submission:

Labcorp Genetics (formerly Invitae), Labcorp
Classification: Uncertain significance for Rienhoff syndrome. Last evaluated: 2025-11-17. Review status: criteria provided, single submitter. Criteria: Invitae Variant Classification Sherloc (09022015). Collection method: clinical testing. Allele origin: germline.
Comment: This sequence change replaces asparagine, which is neutral and polar, with lysine, which is basic and polar, at codon 314 of the TGFB3 protein (p.Asn314Lys). This variant is not present in population databases (gnomAD no frequency). This variant has not been reported in the literature in individuals affected with TGFB3-related conditions. Invitae Evidence Modeling of protein sequence and biophysical properties (such as structural, functional, and spatial information, amino acid conservation, physicochemical variation, residue mobility, and thermodynamic stability) indicates that this missense variant is not expected to disrupt TGFB3 protein function with a negative predictive value of 80%. In summary, the available evidence is currently insufficient to determine the role of this variant in disease. Therefore, it has been classified as a Variant of Uncertain Significance.